The following is an entry in ClinVar:

ClinVar aggregate classification (germline): Uncertain significance (1 of 4 stars; one submission).

gnomAD v4.1: 5 of 1,614,124 alleles (0.00031%); highest among the groups gnomAD compares: South Asian, 0.0022%; no homozygotes.

Submission:

Labcorp Genetics (formerly Invitae), Labcorp
Classification: Uncertain significance. Last evaluated: 2022-02-11. Review status: criteria provided, single submitter. Criteria: Invitae Variant Classification Sherloc (09022015). Collection method: clinical testing. Allele origin: germline.
Comment: In summary, the available evidence is currently insufficient to determine the role of this variant in disease. Therefore, it has been classified as a Variant of Uncertain Significance. Algorithms developed to predict the effect of missense changes on protein structure and function are either unavailable or do not agree on the potential impact of this missense change (SIFT: "Deleterious"; PolyPhen-2: "Possibly Damaging"; Align-GVGD: "Class C0"). This variant has not been reported in the literature in individuals affected with MTHFD1-related conditions. This variant is present in population databases (no rsID available, gnomAD 0.003%). This sequence change replaces valine, which is neutral and non-polar, with leucine, which is neutral and non-polar, at codon 372 of the MTHFD1 protein (p.Val372Leu).

NM_005956.4(MTHFD1):c.1114G>T (p.Val372Leu)

Gene: MTHFD1 (methylenetetrahydrofolate dehydrogenase, cyclohydrolase and formyltetrahydrofolate synthetase 1; plus strand). Cytogenetic location: 14q23.3.
Variant type: single nucleotide variant.
Coding change: c.1114G>T on transcript NM_005956.4 (MANE Select); coding-DNA position 1114, G replaced by T.
Protein change: p.Val372Leu; replaces valine 372 with leucine.
Molecular consequence: missense variant.
Genome position (GRCh38, 1-based): chr14:64,426,179, G>T. VCF-style: chr14-64426179-G-T. GRCh37 (hg19) VCF-style: chr14-64892897-G-T.
Other names: c.1114G>T, p.Val372Leu (NM_001364837.1); short protein forms V372L.
Identifiers: ClinVar variation 1479253 (VCV001479253.8), dbSNP rs758847427, ClinGen allele CA389987434.